The following is an entry in ClinVar:

ClinVar aggregate classification (germline): Uncertain significance (1 of 4 stars; one submission).

Allele frequency attached by ClinVar (database versions not stated): gnomAD exomes below 0.00001.
gnomAD v4.1: 2 of 1,613,952 alleles (0.00012%); highest among the groups gnomAD compares: Non-Finnish European, 0.00017%; no homozygotes.

Submission:

Labcorp Genetics (formerly Invitae), Labcorp
Classification: Uncertain significance. Last evaluated: 2022-10-05. Review status: criteria provided, single submitter. Criteria: Invitae Variant Classification Sherloc (09022015). Collection method: clinical testing. Allele origin: germline.
Comment: In summary, the available evidence is currently insufficient to determine the role of this variant in disease. Therefore, it has been classified as a Variant of Uncertain Significance. This sequence change replaces histidine, which is basic and polar, with glutamine, which is neutral and polar, at codon 236 of the ROM1 protein (p.His236Gln). This variant is present in population databases (no rsID available, gnomAD 0.003%). This variant has not been reported in the literature in individuals affected with ROM1-related conditions. Advanced modeling of protein sequence and biophysical properties (such as structural, functional, and spatial information, amino acid conservation, physicochemical variation, residue mobility, and thermodynamic stability) performed at Invitae indicates that this missense variant is not expected to disrupt ROM1 protein function.

NM_000327.4(ROM1):c.708C>A (p.His236Gln)

Gene: ROM1 (retinal outer segment membrane protein 1; plus strand). Cytogenetic location: 11q12.3.
Variant type: single nucleotide variant.
Coding change: c.708C>A on transcript NM_000327.4 (MANE Select); coding-DNA position 708, C replaced by A.
Protein change: p.His236Gln; replaces histidine 236 with glutamine.
Molecular consequence: missense variant.
Genome position (GRCh38, 1-based): chr11:62,614,375, C>A. VCF-style: chr11-62614375-C-A. GRCh37 (hg19) VCF-style: chr11-62381847-C-A.
Other names: short protein forms H236Q.
Identifiers: ClinVar variation 2097891 (VCV002097891.4), dbSNP rs1273160421, ClinGen allele CA380971995.